The following is an entry in ClinVar:

NM_000152.5(GAA):c.2252TCA[1] (p.Ile752del)

Gene: GAA (alpha glucosidase; plus strand). Cytogenetic location: 17q25.3.
Variant type: Microsatellite.
Coding change: c.2252TCA[1] on transcript NM_000152.5 (MANE Select); one copy of the 3-base unit TCA starting at c.2252; the reference has two copies in a row; one copy, 3 bases deleted; also written c.2255_2257del.
Protein change: p.Ile752del; deletes isoleucine 752.
Molecular consequence: inframe deletion.
Genome position (GRCh38, 1-based): chr17:80,117,033-80,117,035, TCA deleted; deleting any 3 consecutive bases within chr17:80,117,030-80,117,035 gives the same sequence; the position shown is the placement nearest the transcript's 3' end. VCF-style (leftmost placement, unchanged base first): chr17-80117029-CTCA-C. GRCh37 (hg19) VCF-style: chr17-78090828-CTCA-C.
Other names: c.2255_2257del (NM_000152.5); c.2252TCA[1], p.Ile752del (NM_001406742.1, NM_001079803.3, NM_001079804.3 and 1 more transcripts); short protein forms I752del.
Identifiers: ClinVar variation 4876563 (VCV004876563.1).

ClinVar aggregate classification (germline): Likely pathogenic (1 of 4 stars; one submission).

Conditions:
Glycogen storage disease, type II (IOPD). Also called: Pompe Disease; CARDIOMEGALIA GLYCOGENICA DIFFUSA; GLYCOGENOSIS, GENERALIZED, CARDIAC FORM; GSD II; POMPE DISEASE, INFANTILE-ONSET; GLYCOGEN STORAGE DISEASE II, INFANTILE-ONSET. Identifiers: Orphanet 365, MedGen C0017921, MONDO:0009290, OMIM 232300.

Submission:

Genomenon, Inc
Classification: Likely pathogenic for Glycogen storage disease, type II. Last evaluated: 2026-07-01. Review status: criteria provided, single submitter. Criteria: Genomenon Sequence Variant Interpretation Standards - Updated. Collection method: curation. Allele origin: germline. Affected: yes.
Comment: GAA p.Ile752del (c.2255_2257del) is an in-frame deletion that results in the loss of Isoleucine at codon 752. This variant has been observed in at least one proband with a GAA-related disorder in the compound heterozygous and/or homozygous state (PMID:26279333;17616415). It is absent or not present at a significant frequency in gnomAD. In conclusion, we classify GAA p.Ile752del (c.2255_2257del) as a likely pathogenic variant.

Literature cited by the submitters: PubMed 26279333; PubMed 17616415.